The following is an entry in ClinVar:

NM_001130987.2(DYSF):c.1260del (p.Glu421fs)

Gene: DYSF (dysferlin; plus strand). Cytogenetic location: 2p13.2.
Variant type: Deletion.
Coding change: c.1260del on transcript NM_001130987.2 (MANE Select); coding-DNA position 1260, one base deleted (C; older notation c.1260delC).
Protein change: p.Glu421fs; shifts the reading frame from glutamic acid 421.
Molecular consequence: frameshift variant.
Genome position (GRCh38, 1-based): chr2:71,526,330, C deleted; the last of 2 consecutive C bases (chr2:71,526,329-71,526,330); deleting either gives the same sequence. VCF-style (leftmost placement, unchanged base first): chr2-71526328-GC-G. GRCh37 (hg19) VCF-style: chr2-71753458-GC-G.
Other names: c.1167del, p.Glu390fs (NM_001130455.2, NM_001130983.2, NM_001130984.2 and 1 more transcripts); c.1164del, p.Glu389fs (NM_001130976.2, NM_001130977.2, NM_001130978.2 and 1 more transcripts); c.1257del, p.Glu420fs (NM_001130979.2, NM_001130980.2, NM_001130981.2); c.1260del, p.Glu421fs (NM_001130982.2, NM_001130985.2); c.1164del (NM_003494.3); short protein forms E389fs, E420fs, E390fs, E421fs.
Identifiers: ClinVar variation 596405 (VCV000596405.14), dbSNP rs1559079887, ClinGen allele CA913190074.

ClinVar aggregate classification (germline): Pathogenic/Likely pathogenic. Review status: criteria provided, multiple submitters, no conflicts (2 of 4 stars). 3 submissions from 3 submitters: Pathogenic (2); Likely pathogenic (1). Last evaluated 2022-07-28.

Conditions:
Neuromuscular disease caused by qualitative or quantitative defects of dysferlin. Also called: Qualitative or quantitative defects of dysferlin; Dysferlinopathy. Identifiers: Orphanet 207073, MedGen C2931687, MONDO:0016145.

Submissions (3):

GeneDx
Classification: Likely pathogenic. Last evaluated: 2022-07-28. Review status: criteria provided, single submitter. Criteria: GeneDx Variant Classification Process June 2021. Collection method: clinical testing. Allele origin: germline. Affected: yes.
Comment: Frameshift variant predicted to result in protein truncation or nonsense mediated decay in a gene for which loss of function is a known mechanism of disease; Not observed at significant frequency in large population cohorts (gnomAD); Has not been previously published as pathogenic or benign to our knowledge

Labcorp Genetics (formerly Invitae), Labcorp
Classification: Pathogenic for Neuromuscular disease caused by qualitative or quantitative defects of dysferlin. Last evaluated: 2021-03-20. Review status: criteria provided, single submitter. Criteria: Invitae Variant Classification Sherloc (09022015). Collection method: clinical testing. Allele origin: germline.
Comment: This variant is not present in population databases (ExAC no frequency). For these reasons, this variant has been classified as Pathogenic. Loss-of-function variants in DYSF are known to be pathogenic (PMID: 17698709, 20301480). This variant has not been reported in the literature in individuals with DYSF-related conditions. ClinVar contains an entry for this variant (Variation ID: 596405). This sequence change creates a premature translational stop signal (p.Glu389Argfs*10) in the DYSF gene. It is expected to result in an absent or disrupted protein product.

Eurofins Ntd Llc (ga)
Classification: Pathogenic. Last evaluated: 2018-03-13. Review status: criteria provided, single submitter. Criteria: EGL ClinVar v180209 classification definitions. Collection method: clinical testing. Allele origin: germline. Observed: 1 variant allele, 1 heterozygote.

Literature cited by the submitters: PubMed 17698709 (cited by Labcorp Genetics (formerly Invitae), Labcorp); PubMed 20301480 (cited by Labcorp Genetics (formerly Invitae), Labcorp).